The following is an entry in ClinVar:

NM_001754.5(RUNX1):c.988T>G (p.Phe330Val)

Gene: RUNX1 (RUNX family transcription factor 1; minus strand). Cytogenetic location: 21q22.12.
Variant type: single nucleotide variant.
Coding change: c.988T>G on transcript NM_001754.5 (MANE Select); coding-DNA position 988, T replaced by G.
Protein change: p.Phe330Val; replaces phenylalanine 330 with valine.
Molecular consequence: missense variant.
Genome position (GRCh38, 1-based): chr21:34,792,590, A>C on the plus strand (T>G on the coding strand, the complement: RUNX1 is on the minus strand). VCF-style: chr21-34792590-A-C. GRCh37 (hg19) VCF-style: chr21-36164887-A-C.
Other names: NM_001754.5(RUNX1):c.988T>G; p.Phe330Val; c.907T>G, p.Phe303Val (NM_001001890.3); short protein forms F303V, F330V.
Identifiers: ClinVar variation 1716418 (VCV001716418.6), dbSNP rs2516825257, ClinGen allele CA410148771.

ClinVar aggregate classification (germline): Uncertain significance. Review status: reviewed by expert panel (3 of 4 stars). 2 submissions from 2 submitters: Uncertain significance (1). 1 of the submissions does not count toward it. Last evaluated 2024-07-25.

Conditions:
Hereditary thrombocytopenia and hematological cancer predisposition syndrome associated with RUNX1. Also called: PLATELET DISORDER, ASPIRIN-LIKE; RUNX1 Familial Platelet Disorder with Associated Myeloid Malignancies; Familial Platelet Disorder with Propensity to Acute Myelogenous Leukemia; Familial thrombocytopenia with propensity to acute myelogenous leukemia. Identifiers: Orphanet 71290, MedGen C1832388, MeSH C563324, MONDO:0100083, OMIM 601399.
Hereditary thrombocytopenia and hematologic cancer predisposition syndrome. Identifiers: Orphanet 71290, MedGen CN281654, MONDO:0011071.

Submissions (2):

ClinGen Myeloid Malignancy Variant Curation Expert Panel
Classification: Uncertain significance for Hereditary thrombocytopenia and hematologic cancer predisposition syndrome. Last evaluated: 2024-07-25. Review status: reviewed by expert panel. Criteria: ClinGen MyeloMalig ACMG Specifications v2. Collection method: curation. Allele origin: germline. Inheritance: Autosomal dominant inheritance.
Comment: NM_001754.5(RUNX1):c.988T>G (p.Phe330Val) is a missense variant which is absent from gnomAD v2 and v3 (PM2_supporting). This variant has not been reported in the literature. The computational predictor REVEL gives a score of 0.474, which is below the threshold of 0.50, and the splice site predictor SpliceAI indicated that the variant has no impact on splicing, evidence that does not predict a damaging effect on RUNX1 function (BP4). In summary, this variant meets the criteria to be classified as a variant of uncertain significance (VUS) for autosomal dominant hereditary thrombocytopenia and hematologic cancer predisposition syndrome based on the ACMG/AMP criteria applied, as specified by the ClinGen Myeloid Malignancy VCEP: PM2_supporting and BP4.

Labcorp Genetics (formerly Invitae), Labcorp
Classification: Uncertain significance for Hereditary thrombocytopenia and hematological cancer predisposition syndrome associated with RUNX1. Last evaluated: 2022-08-18. Review status: criteria provided, single submitter. Criteria: Invitae Variant Classification Sherloc (09022015). Collection method: clinical testing. Allele origin: germline. Not counted in ClinVar's aggregate classification.
Comment: This sequence change replaces phenylalanine, which is neutral and non-polar, with valine, which is neutral and non-polar, at codon 330 of the RUNX1 protein (p.Phe330Val). In summary, the available evidence is currently insufficient to determine the role of this variant in disease. Therefore, it has been classified as a Variant of Uncertain Significance. Algorithms developed to predict the effect of missense changes on protein structure and function are either unavailable or do not agree on the potential impact of this missense change (SIFT: "Deleterious"; PolyPhen-2: "Benign"; Align-GVGD: "Class C0"). This variant has not been reported in the literature in individuals affected with RUNX1-related conditions. This variant is not present in population databases (gnomAD no frequency).